The following is an entry in ClinVar:

NM_000426.4(LAMA2):c.4756T>G (p.Leu1586Val)

Gene: LAMA2 (laminin subunit alpha 2; plus strand). Cytogenetic location: 6q22.33.
Variant type: single nucleotide variant.
Coding change: c.4756T>G on transcript NM_000426.4 (MANE Select); coding-DNA position 4756, T replaced by G.
Protein change: p.Leu1586Val; replaces leucine 1586 with valine.
Molecular consequence: missense variant.
Genome position (GRCh38, 1-based): chr6:129,366,257, T>G. VCF-style: chr6-129366257-T-G. GRCh37 (hg19) VCF-style: chr6-129687402-T-G.
Other names: p.Leu1586Val; c.4756T>G, p.Leu1586Val (NM_001079823.2); short protein forms L1586V.
Identifiers: ClinVar variation 3379712 (VCV003379712.1).

ClinVar aggregate classification (germline): Uncertain significance (1 of 4 stars; one submission).

Submission:

Mayo Clinic Laboratories, Mayo Clinic
Classification: Uncertain significance. Last evaluated: 2023-09-06. Review status: criteria provided, single submitter. Criteria: ACMG Guidelines, 2015. Collection method: clinical testing. Allele origin: germline. Observed: 1 variant allele.
Comment: BP4, PM2_moderate